The following is an entry in ClinVar:

ClinVar aggregate classification (germline): Uncertain significance (1 of 4 stars; one submission).

gnomAD v4.1: 3 of 1,598,610 alleles (0.00019%); highest among the groups gnomAD compares: African/African-American, 0.0027%; no homozygotes.

Submission:

Labcorp Genetics (formerly Invitae), Labcorp
Classification: Uncertain significance. Last evaluated: 2022-06-22. Review status: criteria provided, single submitter. Criteria: Invitae Variant Classification Sherloc (09022015). Collection method: clinical testing. Allele origin: germline.
Comment: This sequence change replaces isoleucine, which is neutral and non-polar, with leucine, which is neutral and non-polar, at codon 1477 of the SNRNP200 protein (p.Ile1477Leu). This variant has not been reported in the literature in individuals affected with SNRNP200-related conditions. Algorithms developed to predict the effect of missense changes on protein structure and function are either unavailable or do not agree on the potential impact of this missense change (SIFT: "Deleterious"; PolyPhen-2: "Benign"; Align-GVGD: "Class C0"). Algorithms developed to predict the effect of sequence changes on RNA splicing suggest that this variant may create or strengthen a splice site. In summary, the available evidence is currently insufficient to determine the role of this variant in disease. Therefore, it has been classified as a Variant of Uncertain Significance. This variant is not present in population databases (gnomAD no frequency).

NM_014014.5(SNRNP200):c.4429A>C (p.Ile1477Leu)

Gene: SNRNP200 (small nuclear ribonucleoprotein U5 subunit 200; minus strand). Cytogenetic location: 2q11.2.
Variant type: single nucleotide variant.
Coding change: c.4429A>C on transcript NM_014014.5 (MANE Select); coding-DNA position 4429, A replaced by C.
Protein change: p.Ile1477Leu; replaces isoleucine 1477 with leucine.
Molecular consequence: missense variant.
Genome position (GRCh38, 1-based): chr2:96,283,968, T>G on the plus strand (A>C on the coding strand, the complement: SNRNP200 is on the minus strand). VCF-style: chr2-96283968-T-G. GRCh37 (hg19) VCF-style: chr2-96949706-T-G.
Other names: short protein forms I1477L.
Identifiers: ClinVar variation 2009352 (VCV002009352.4), dbSNP rs1290175232, ClinGen allele CA347665837.
Genomic context (GRCh38, chr2:96,283,968, plus strand): 5'-CATTGGAGAGCGAAGAGCTGAGTGCCACAATGCGAATGGGCCGCTCAATCTGGGAGGAGA[T>G]GTAGCGCATTCGGGAGCAGATCACTTCTAAGACAGGCTGGAAAGAGGGAGGGAGGGAGGG-3'
Protein context (NP_054733.2, residues 1467-1487): LEVICSRMRY[Ile1477Leu]SSQIERPIRI